The following is an entry in ClinVar:

NM_001197104.2(KMT2A):c.2195C>T (p.Ser732Phe)

Gene: KMT2A (lysine methyltransferase 2A; plus strand). Cytogenetic location: 11q23.3.
Variant type: single nucleotide variant.
Coding change: c.2195C>T on transcript NM_001197104.2 (MANE Select); coding-DNA position 2195, C replaced by T.
Protein change: p.Ser732Phe; replaces serine 732 with phenylalanine.
Molecular consequence: missense variant.
Genome position (GRCh38, 1-based): chr11:118,473,354, C>T. VCF-style: chr11-118473354-C-T. GRCh37 (hg19) VCF-style: chr11-118344069-C-T.
Other names: c.2294C>T, p.Ser765Phe (NM_001412597.1); c.2195C>T, p.Ser732Phe (NM_005933.4); short protein forms S732F, S765F.
Identifiers: ClinVar variation 4076806 (VCV004076806.1).

ClinVar aggregate classification (germline): Uncertain significance (1 of 4 stars; one submission).

Submission:

GeneDx
Classification: Uncertain significance. Last evaluated: 2025-02-22. Review status: criteria provided, single submitter. Criteria: GeneDx Variant Classification Process June 2021. Collection method: clinical testing. Allele origin: germline. Affected: yes.
Comment: Not observed at significant frequency in large population cohorts (gnomAD); In silico analysis indicates that this missense variant does not alter protein structure/function; Has not been previously published as pathogenic or benign to our knowledge